The following is an entry in ClinVar:

NM_144670.6(A2ML1):c.4061+11_4061+12del

Gene: A2ML1 (alpha-2-macroglobulin like 1; plus strand). Cytogenetic location: 12p13.31.
Variant type: Deletion.
Coding change: c.4061+11_4061+12del on transcript NM_144670.6 (MANE Select); bases 11 to 12 of the intron after coding-DNA position 4061, 2 bases deleted (CT; older notation c.4061+11_4061+12delCT).
Molecular consequence: intron variant.
Genome position (GRCh38, 1-based): chr12:8,868,368-8,868,369, CT deleted. VCF-style (leftmost placement, unchanged base first): chr12-8868367-GCT-G. GRCh37 (hg19) VCF-style: chr12-9020963-GCT-G.
Other names: c.2588+11_2588+12del (NM_001282424.3).
Identifiers: ClinVar variation 506423 (VCV000506423.9), dbSNP rs767089812, ClinGen allele CA6436567.

ClinVar aggregate classification (germline): Benign/Likely benign. Review status: criteria provided, multiple submitters, no conflicts (2 of 4 stars). 3 submissions from 3 submitters: Benign (1); Likely benign (2). Last evaluated 2025-08-21.

Allele frequency attached by ClinVar (database versions not stated): gnomAD 0.00005 and 0.00006; ExAC 0.00006; TOPMed 0.00006; gnomAD exomes 0.00007 and 0.00008.

Submissions (3):

Labcorp Genetics (formerly Invitae), Labcorp
Classification: Likely benign. Last evaluated: 2025-08-21. Review status: criteria provided, single submitter. Criteria: Invitae Variant Classification Sherloc (09022015). Collection method: clinical testing. Allele origin: germline.

Women's Health and Genetics/Laboratory Corporation of America, LabCorp
Classification: Benign. Last evaluated: 2021-12-04. Review status: criteria provided, single submitter. Criteria: LabCorp Variant Classification Summary - May 2015. Collection method: clinical testing. Allele origin: germline.

GeneDx
Classification: Likely benign. Last evaluated: 2017-12-20. Review status: criteria provided, single submitter. Criteria: GeneDx Variant Classification (06012015). Collection method: clinical testing. Allele origin: germline. Affected: yes.
Comment: This variant is considered likely benign or benign based on one or more of the following criteria: it is a conservative change, it occurs at a poorly conserved position in the protein, it is predicted to be benign by multiple in silico algorithms, and/or has population frequency not consistent with disease.